The following is an entry in ClinVar:

ClinVar aggregate classification (germline): Uncertain significance. Review status: criteria provided, multiple submitters, no conflicts (2 of 4 stars). 2 submissions from 2 submitters: Uncertain significance (2). Last evaluated 2024-05-20.

Conditions:
Inborn genetic diseases. Identifiers: MedGen C0950123, MeSH D030342.

Allele frequency attached by ClinVar (database versions not stated): gnomAD 0.00001; gnomAD exomes 0.00001; ExAC 0.00002; TOPMed 0.00002; ESP Exome Variant Server 0.00008.
gnomAD v4.1: 9 of 1,584,130 alleles (0.00057%); highest among the groups gnomAD compares: South Asian, 0.0059%; 1 homozygote.

Submissions (2):

Ambry Genetics
Classification: Uncertain significance for Inborn genetic diseases. Last evaluated: 2024-05-20. Review status: criteria provided, single submitter. Criteria: Ambry Variant Classification Scheme 2023. Collection method: clinical testing. Allele origin: germline.

Labcorp Genetics (formerly Invitae), Labcorp
Classification: Uncertain significance. Last evaluated: 2023-11-13. Review status: criteria provided, single submitter. Criteria: Invitae Variant Classification Sherloc (09022015). Collection method: clinical testing. Allele origin: germline.
Comment: This sequence change replaces glutamic acid, which is acidic and polar, with glutamine, which is neutral and polar, at codon 557 of the PLAA protein (p.Glu557Gln). This variant is present in population databases (rs374665187, gnomAD 0.01%), including at least one homozygous and/or hemizygous individual. This variant has not been reported in the literature in individuals affected with PLAA-related conditions. Advanced modeling of protein sequence and biophysical properties (such as structural, functional, and spatial information, amino acid conservation, physicochemical variation, residue mobility, and thermodynamic stability) performed at Invitae indicates that this missense variant is not expected to disrupt PLAA protein function with a negative predictive value of 80%. In summary, the available evidence is currently insufficient to determine the role of this variant in disease. Therefore, it has been classified as a Variant of Uncertain Significance.

NM_001031689.3(PLAA):c.1669G>C (p.Glu557Gln)

Gene: PLAA (phospholipase A2 activating protein; minus strand). Cytogenetic location: 9p21.2.
Variant type: single nucleotide variant.
Coding change: c.1669G>C on transcript NM_001031689.3 (MANE Select); coding-DNA position 1669, G replaced by C.
Protein change: p.Glu557Gln; replaces glutamic acid 557 with glutamine.
Molecular consequence: missense variant.
Genome position (GRCh38, 1-based): chr9:26,907,987, C>G on the plus strand (G>C on the coding strand, the complement: PLAA is on the minus strand). VCF-style: chr9-26907987-C-G. GRCh37 (hg19) VCF-style: chr9-26907985-C-G.
Other names: c.1600G>C, p.Glu534Gln (NM_001321546.2); c.1669G>C (NM_001031689.2); short protein forms E557Q, E534Q.
Identifiers: ClinVar variation 2911581 (VCV002911581.2), dbSNP rs374665187, ClinGen allele CA5014246.
Genomic context (GRCh38, chr9:26,907,987, plus strand): 5'-CAAGAAGTATCAAGTCATCCTCAGTTAACTTCTTCTCTTCAGGTGCAGTTCCATTAAGTT[C>G]CTTCAGTTTACCTAGAACCCAAAACCAAACTTTCAAAATTCTCTAACTGTAATTGGCCAG-3'
Protein context (NP_001026859.1, residues 547-567): NPTQILGKLK[Glu557Gln]LNGTAPEEKK